The following is an entry in ClinVar:

NM_015102.5(NPHP4):c.800A>T (p.His267Leu)

Gene: NPHP4 (nephrocystin 4; minus strand). Cytogenetic location: 1p36.31.
Variant type: single nucleotide variant.
Coding change: c.800A>T on transcript NM_015102.5 (MANE Select); coding-DNA position 800, A replaced by T.
Protein change: p.His267Leu; replaces histidine 267 with leucine.
Molecular consequence: missense variant. On other transcripts: 5 prime UTR variant (1), non-coding transcript variant (1), intron variant (1).
Genome position (GRCh38, 1-based): chr1:5,952,710, T>A on the plus strand (A>T on the coding strand, the complement: NPHP4 is on the minus strand). VCF-style: chr1-5952710-T-A. GRCh37 (hg19) VCF-style: chr1-6012770-T-A.
Other names: c.-567A>T (NM_001291594.2); c.-556-4459A>T (NM_001291593.2); short protein forms H267L.
Identifiers: ClinVar variation 288173 (VCV000288173.25), dbSNP rs201124357, ClinGen allele CA554739.

ClinVar aggregate classification (germline): Conflicting classifications of pathogenicity. Review status: criteria provided, conflicting classifications (1 of 4 stars). 9 submissions from 8 submitters: Uncertain significance (5); Likely benign (2). 2 of the submissions do not count toward it. Last evaluated 2026-01-27.

Conditions:
NPHP4-related disorder. Also called: NPHP4-related disorders; NPHP4-related condition. Identifiers: MedGen CN239384.
Nephronophthisis. Also called: Juvenile Nephronophthisis. Identifiers: Orphanet 655, MedGen C0687120, MONDO:0019005, HP:0000090.
Retinal dystrophy. Also called: Inherited retinal dystrophy. Identifiers: Orphanet 71862, MedGen C0854723, MeSH D058499, MONDO:0019118, HP:0000556.
Senior-Loken syndrome 4 (SLSN4). Identifiers: Orphanet 3156, MedGen C1846979, MONDO:0011756, OMIM 606996.
Nephronophthisis 4 (NPHP4). Also called: NEPHRONOPHTHISIS 4, JUVENILE. Identifiers: Orphanet 655, MedGen C1847013, MONDO:0011752, OMIM 606966.

Allele frequency attached by ClinVar (database versions not stated): ExAC 0.00111; gnomAD 0.00116 and 0.00124; ESP Exome Variant Server 0.00127; gnomAD exomes 0.00146 and 0.00092; 1000 Genomes Project 30x 0.00031; 1000 Genomes Project 0.00040; TOPMed 0.00091.
gnomAD v4.1: 2,193 of 1,551,960 alleles (0.14%); highest among the groups gnomAD compares: Non-Finnish European, 0.17%; 4 homozygotes.

Submissions (12):

Labcorp Genetics (formerly Invitae), Labcorp
Classification: Likely benign for Nephronophthisis. Last evaluated: 2026-01-27. Review status: criteria provided, single submitter. Criteria: Invitae Variant Classification Sherloc (09022015). Collection method: clinical testing. Allele origin: germline.

Blueprint Genetics
Classification: Likely benign. Last evaluated: 2024-10-24. Review status: criteria provided, single submitter. Criteria: ACMG Guidelines, 2015. Collection method: clinical testing. Allele origin: germline.

Department of Pathology and Laboratory Medicine, Sinai Health System
Classification: Uncertain significance for Nephronophthisis 4; Senior-Loken syndrome 4. Last evaluated: 2022-11-03. Review status: criteria provided, single submitter. Criteria: ACMG Guidelines, 2015. Collection method: research. Allele origin: germline.

AiLife Diagnostics
Classification: Uncertain significance. Last evaluated: 2020-07-18. Review status: criteria provided, single submitter. Criteria: ACMG Guidelines, 2015. Collection method: clinical testing. Allele origin: germline. Affected: yes. Observed: 1 variant allele.

Eurofins Ntd Llc (ga)
Classification: Uncertain significance. Last evaluated: 2018-09-17. Review status: criteria provided, single submitter. Criteria: EGL ClinVar v180209 classification definitions. Collection method: clinical testing. Allele origin: germline. Observed: 4 variant alleles, 4 heterozygotes.

Illumina Laboratory Services, Illumina
Classification: Uncertain significance for Nephronophthisis 4. Last evaluated: 2018-01-13. Review status: criteria provided, single submitter. Criteria: ICSL Variant Classification Criteria 13 December 2019. Collection method: clinical testing. Allele origin: germline.

Illumina Laboratory Services, Illumina
Classification: Uncertain significance for Senior-Loken syndrome 4. Last evaluated: 2018-01-13. Review status: criteria provided, single submitter. Criteria: ICSL Variant Classification Criteria 13 December 2019. Collection method: clinical testing. Allele origin: germline.

Institute of Human Genetics, Univ. Regensburg, Univ. Regensburg
Classification: Uncertain significance for Retinal dystrophy. Last evaluated: 2023-01-01. Review status: no assertion criteria provided. Criteria: ACMG Guidelines, 2015. Collection method: clinical testing. Allele origin: germline. Affected: yes. Not counted in ClinVar's aggregate classification.

PreventionGenetics, part of Exact Sciences
Classification: Likely benign for NPHP4-related condition. Last evaluated: 2022-02-04. Review status: no assertion criteria provided. Collection method: clinical testing. Allele origin: germline. Not counted in ClinVar's aggregate classification.
Comment: This variant is classified as likely benign based on ACMG/AMP sequence variant interpretation guidelines (Richards et al. 2015 PMID: 25741868, with internal and published modifications).

Dr. Peter K. Rogan Lab, Western University
No classification provided (evidence only). Condition: Sarcoma. Review status: no classification provided. Collection method: in vitro. Allele origin: not applicable. Functional consequence: skipped exon. Not counted in ClinVar's aggregate classification.

Dr. Peter K. Rogan Lab, Western University
No classification provided (evidence only). Condition: Malignant tumor of esophagus. Review status: no classification provided. Collection method: in vitro. Allele origin: not applicable. Functional consequence: skipped exon. Not counted in ClinVar's aggregate classification.

Dr. Peter K. Rogan Lab, Western University
No classification provided (evidence only). Condition: Malignant tumor of esophagus. Review status: no classification provided. Collection method: in vitro. Allele origin: not applicable. Functional consequence: skipped exon. Not counted in ClinVar's aggregate classification.